The following is an entry in ClinVar:

ClinVar aggregate classification (germline): Uncertain significance. Review status: criteria provided, multiple submitters, no conflicts (2 of 4 stars). 2 submissions from 2 submitters: Uncertain significance (2). Last evaluated 2024-11-10.

Conditions:
Inborn genetic diseases. Identifiers: MedGen C0950123, MeSH D030342.

Allele frequency attached by ClinVar (database versions not stated): gnomAD 0.00001; gnomAD exomes 0.00001.
gnomAD v4.1: 20 of 1,603,944 alleles (0.0012%); highest among the groups gnomAD compares: Non-Finnish European, 0.0017%; no homozygotes.

Submissions (2):

Ambry Genetics
Classification: Uncertain significance for Inborn genetic diseases. Last evaluated: 2024-11-10. Review status: criteria provided, single submitter. Criteria: Ambry Variant Classification Scheme 2023. Collection method: clinical testing. Allele origin: germline.

Labcorp Genetics (formerly Invitae), Labcorp
Classification: Uncertain significance. Last evaluated: 2022-03-23. Review status: criteria provided, single submitter. Criteria: Invitae Variant Classification Sherloc (09022015). Collection method: clinical testing. Allele origin: germline.
Comment: This variant is present in population databases (rs770363461, gnomAD no frequency). This variant has not been reported in the literature in individuals affected with PPM1D-related conditions. Algorithms developed to predict the effect of missense changes on protein structure and function are either unavailable or do not agree on the potential impact of this missense change (SIFT: "Tolerated"; PolyPhen-2: "Probably Damaging"; Align-GVGD: "Class C0"). In summary, the available evidence is currently insufficient to determine the role of this variant in disease. Therefore, it has been classified as a Variant of Uncertain Significance. This sequence change replaces cysteine, which is neutral and slightly polar, with tyrosine, which is neutral and polar, at codon 605 of the PPM1D protein (p.Cys605Tyr).

NM_003620.4(PPM1D):c.1814G>A (p.Cys605Tyr)

Gene: PPM1D (protein phosphatase, Mg2+/Mn2+ dependent 1D; plus strand). Cytogenetic location: 17q23.2.
Variant type: single nucleotide variant.
Coding change: c.1814G>A on transcript NM_003620.4 (MANE Select); coding-DNA position 1814, G replaced by A.
Protein change: p.Cys605Tyr; replaces cysteine 605 with tyrosine.
Molecular consequence: missense variant.
Genome position (GRCh38, 1-based): chr17:60,663,548, G>A. VCF-style: chr17-60663548-G-A. GRCh37 (hg19) VCF-style: chr17-58740909-G-A.
Other names: short protein forms C605Y.
Identifiers: ClinVar variation 2172355 (VCV002172355.5), dbSNP rs770363461, ClinGen allele CA292212807.